The following is an entry in ClinVar:

ClinVar aggregate classification (germline): Likely benign (1 of 4 stars; one submission).

Conditions:
ADCY3-related disorder. Also called: ADCY3-related condition.

Submission:

PreventionGenetics, part of Exact Sciences
Classification: Likely benign for ADCY3-related condition. Last evaluated: 2026-06-29. Review status: criteria provided, single submitter. Criteria: ACMG Guidelines, 2015. Collection method: clinical testing. Allele origin: germline.
Comment: This variant is classified as likely benign based on ACMG/AMP sequence variant interpretation guidelines (Richards et al. 2015 PMID: 25741868, with internal and published modifications).

NM_004036.5(ADCY3):c.1698G>A (p.Arg566=)

Gene: ADCY3 (adenylate cyclase 3; minus strand). Cytogenetic location: 2p23.3.
Variant type: single nucleotide variant.
Coding change: c.1698G>A on transcript NM_004036.5 (MANE Select); coding-DNA position 1698, G replaced by A.
Protein change: p.Arg566=; no amino-acid change (arginine 566 retained).
Molecular consequence: synonymous variant.
Genome position (GRCh38, 1-based): chr2:24,834,901, C>T on the plus strand (G>A on the coding strand, the complement: ADCY3 is on the minus strand). VCF-style: chr2-24834901-C-T. GRCh37 (hg19) VCF-style: chr2-25057770-C-T.
Other names: c.1698G>A, p.Arg566= (NM_001320613.2, NM_001377129.1, NM_001377130.1 and 1 more transcripts); c.1764G>A, p.Arg588= (NM_001377128.1); c.975G>A, p.Arg325= (NM_001377131.1).
Identifiers: ClinVar variation 4992084 (VCV004992084.1).
Genomic context (GRCh38, chr2:24,834,901, plus strand): 5'-GAGCTCGTGCTCATCTTCAGAGGCATCCACCACTCGGTCAGCCAGGTCCTGCAGGCGCAG[C>T]CTCCGGCGTGGGTTGGGGAATGAGGGGTTGTCGGCCTGTGAGCCAGGGAGGCAGCGTGAG-3'
Protein context (NP_004027.2, residues 556-576): DNPSFPNPRR[Arg566=]LRLQDLADRV